The following is an entry in ClinVar:

ClinVar aggregate classification (germline): Conflicting classifications of pathogenicity. Review status: criteria provided, conflicting classifications (1 of 4 stars). 3 submissions from 3 submitters: Likely pathogenic (1); Uncertain significance (2). Last evaluated 2023-11-18.

Allele frequency attached by ClinVar (database versions not stated): gnomAD exomes below 0.00001.
gnomAD v4.1: 4 of 1,567,238 alleles (0.00026%); highest among the groups gnomAD compares: Non-Finnish European, 0.00035%; no homozygotes.

Submissions (3):

Labcorp Genetics (formerly Invitae), Labcorp
Classification: Uncertain significance. Last evaluated: 2023-11-18. Review status: criteria provided, single submitter. Criteria: Invitae Variant Classification Sherloc (09022015). Collection method: clinical testing. Allele origin: germline.
Comment: This sequence change creates a premature translational stop signal (p.Trp237*) in the GALNT12 gene. It is expected to result in an absent or disrupted protein product. However, the current clinical and genetic evidence is not sufficient to establish whether loss-of-function variants in GALNT12 cause disease. This variant is present in population databases (no rsID available, gnomAD 0.001%). This variant has not been reported in the literature in individuals affected with GALNT12-related conditions. ClinVar contains an entry for this variant (Variation ID: 1757216). In summary, the available evidence is currently insufficient to determine the role of this variant in disease. Therefore, it has been classified as a Variant of Uncertain Significance.

Ambry Genetics
Classification: Uncertain significance. Last evaluated: 2023-08-08. Review status: criteria provided, single submitter. Criteria: Ambry Variant Classification Scheme 2023. Collection method: clinical testing. Allele origin: germline.
Comment: The p.W237* variant (also known as c.710G>A), located in coding exon 3 of the GALNT12 gene, results from a G to A substitution at nucleotide position 710. This changes the amino acid from a tryptophan to a stop codon within coding exon 3. This alteration is expected to result in loss of function by premature protein truncation or nonsense-mediated mRNA decay. The evidence for this gene-disease relationship is limited; therefore, the clinical significance of this alteration is unclear.

Quest Diagnostics Nichols Institute San Juan Capistrano
Classification: Likely pathogenic. Last evaluated: 2023-02-10. Review status: criteria provided, single submitter. Criteria: Quest Diagnostics criteria. Collection method: clinical testing. Allele origin: unknown.
Comment: This nonsense variant is predicted to cause the premature termination of GALNT12 protein synthesis. The variant has not been reported in individuals with GALNT12-related diseases in the published literature. The frequency of this variant in the general population, 0.0000057 (1/174314 chromosomes), is consistent with pathogenicity. Based on the available information, this variant is classified as likely pathogenic.

NM_024642.5(GALNT12):c.710G>A (p.Trp237Ter)

Gene: GALNT12 (polypeptide N-acetylgalactosaminyltransferase 12; plus strand). Cytogenetic location: 9q22.33.
Variant type: single nucleotide variant.
Coding change: c.710G>A on transcript NM_024642.5 (MANE Select); coding-DNA position 710, G replaced by A.
Protein change: p.Trp237Ter; replaces tryptophan 237 with a stop codon.
Molecular consequence: nonsense.
Genome position (GRCh38, 1-based): chr9:98,826,920, G>A. VCF-style: chr9-98826920-G-A. GRCh37 (hg19) VCF-style: chr9-101589202-G-A.
Other names: short protein forms W237*.
Identifiers: ClinVar variation 1757216 (VCV001757216.7), dbSNP rs1197184207, ClinGen allele CA374217826.